The following is an entry in ClinVar:

NM_003079.5(SMARCE1):c.1090_1092del (p.Pro364del)

Gene: SMARCE1 (SWI/SNF related BAF chromatin remodeling complex subunit E1; minus strand). Cytogenetic location: 17q21.2.
Variant type: Deletion.
Coding change: c.1090_1092del on transcript NM_003079.5 (MANE Select); coding-DNA positions 1090 to 1092, 3 bases deleted (CCT; older notation c.1090_1092delCCT).
Protein change: p.Pro364del; deletes proline 364.
Molecular consequence: inframe deletion.
Genome position (GRCh38, 1-based): chr17:40,628,929-40,628,931, AGG deleted on the plus strand (CCT on the coding strand, the reverse complement: SMARCE1 is on the minus strand); deleting any 3 consecutive bases within chr17:40,628,929-40,628,933 gives the same sequence; the c. name uses the placement nearest the transcript's 3' end. VCF-style (leftmost placement, unchanged base first): chr17-40628928-CAGG-C. GRCh37 (hg19) VCF-style: chr17-38785180-CAGG-C.
Other names: short protein forms P364del.
Identifiers: ClinVar variation 532248 (VCV000532248.11), dbSNP rs1555605093, ClinGen allele CA658798825.

ClinVar aggregate classification (germline): Uncertain significance. Review status: criteria provided, multiple submitters, no conflicts (2 of 4 stars). 3 submissions from 3 submitters: Uncertain significance (3). Last evaluated 2023-09-28.

Conditions:
Hereditary cancer-predisposing syndrome. Also called: Hereditary neoplastic syndrome; Neoplastic Syndromes, Hereditary; Tumor predisposition; Hereditary Cancer Syndrome. Identifiers: Orphanet 140162, MedGen C0027672, MeSH D009386, MONDO:0015356.
Familial meningioma. Also called: Meningioma, familial, susceptibility to. Identifiers: Orphanet 263662, MedGen C3551915, MONDO:0011789, OMIM 607174.
SMARCE1-related disorder. Also called: SMARCE1-related condition.

Submissions (3):

PreventionGenetics, part of Exact Sciences
Classification: Uncertain significance for SMARCE1-related condition. Last evaluated: 2023-09-28. Review status: criteria provided, single submitter. Criteria: ACMG Guidelines, 2015. Collection method: clinical testing. Allele origin: germline.
Comment: The SMARCE1 c.1090_1092delCCT variant is predicted to result in an in-frame deletion (p.Pro364del). To our knowledge, this variant has not been reported in the literature or in a large population database, indicating this variant is rare. At this time, the clinical significance of this variant is uncertain due to the absence of conclusive functional and genetic evidence.

Ambry Genetics
Classification: Uncertain significance for Hereditary cancer-predisposing syndrome. Last evaluated: 2023-05-25. Review status: criteria provided, single submitter. Criteria: Ambry Variant Classification Scheme 2023. Collection method: clinical testing. Allele origin: germline.
Comment: The c.1090_1092delCCT variant (also known as p.P364del) is located in coding exon 10 of the SMARCE1 gene. This variant results from an in-frame CCT deletion at nucleotide positions 1090 to 1092. This results in the in-frame deletion of a proline at codon 364. This amino acid position is highly conserved in available vertebrate species. Missense and in-frame variants in SMARCE1 are known to cause neurodevelopmental disorders; however, such associations with increased risk of meningiomas are exceedingly rare (Kosho T et al. Am J Med Genet C Semin Med Genet. 2014 Sep;166C(3):262-75; Smith JM et al. Nat Genet. 2013 Mar;45(3):295-8). Since supporting evidence is limited at this time, the clinical significance of this alteration remains unclear.

Labcorp Genetics (formerly Invitae), Labcorp
Classification: Uncertain significance for Familial meningioma. Last evaluated: 2017-11-12. Review status: criteria provided, single submitter. Criteria: Invitae Variant Classification Sherloc (09022015). Collection method: clinical testing. Allele origin: germline.
Comment: In summary, the available evidence is currently insufficient to determine the role of this variant in disease. Therefore, it has been classified as a Variant of Uncertain Significance. Experimental studies and prediction algorithms are not available for this variant, and the functional significance of the deleted amino acid is currently unknown. This variant has not been reported in the literature in individuals with SMARCE1-related disease. This variant is not present in population databases (ExAC no frequency). This variant, c.1090_1092delCCT, results in the deletion of 1 amino acid of the SMARCE1 protein (p.Pro364del), but otherwise preserves the integrity of the reading frame.